The following is an entry in ClinVar:

ClinVar aggregate classification (germline): Uncertain significance (1 of 4 stars; one submission).

Conditions:
Hereditary cancer-predisposing syndrome. Also called: Neoplastic Syndromes, Hereditary; Tumor predisposition; Hereditary Cancer Syndrome; Hereditary neoplastic syndrome. Identifiers: Orphanet 140162, MedGen C0027672, MeSH D009386, MONDO:0015356.

Submission:

Ambry Genetics
Classification: Uncertain significance for Hereditary cancer-predisposing syndrome. Last evaluated: 2024-09-05. Review status: criteria provided, single submitter. Criteria: Ambry Variant Classification Scheme 2023. Collection method: clinical testing. Allele origin: germline.
Comment: The p.P642S variant (also known as c.1924C>T) is located in coding exon 18 of the POLE gene. The proline at codon 642 is replaced by serine, an amino acid with similar properties. This change occurs in the first base pair of coding exon 18. This amino acid position is conserved. In addition, the in silico prediction for this alteration is inconclusive. Based on the available evidence, the clinical significance of this variant remains unclear.

NM_006231.4(POLE):c.1924C>T (p.Pro642Ser)

Gene: POLE (DNA polymerase epsilon, catalytic subunit; minus strand). Cytogenetic location: 12q24.33.
Variant type: single nucleotide variant.
Coding change: c.1924C>T on transcript NM_006231.4 (MANE Select); coding-DNA position 1924, C replaced by T.
Protein change: p.Pro642Ser; replaces proline 642 with serine.
Molecular consequence: missense variant.
Genome position (GRCh38, 1-based): chr12:132,668,737, G>A on the plus strand (C>T on the coding strand, the complement: POLE is on the minus strand). VCF-style: chr12-132668737-G-A. GRCh37 (hg19) VCF-style: chr12-133245323-G-A.
Other names: short protein forms P642S.
Identifiers: ClinVar variation 3422149 (VCV003422149.1).
Genomic context (GRCh38, chr12:132,668,737, plus strand): 5'-TTGCTCCAGGCTTATTGAAGTCACAGGCAGCACAGGTGGCTTCGTCCACCATGGCAGAGG[G>A]CTGGGAGGGGTGAGAAAGCACTTAGGGCTGGGCAGAGAGAGCTCCGACTCTGACACGGGA-3'
Protein context (NP_006222.2, residues 632-652): PNIILTNRLQ[Pro642Ser]SAMVDEATCA